The following is an entry in ClinVar:

ClinVar aggregate classification (germline): Uncertain significance (1 of 4 stars; one submission).

Conditions:
Lethal multiple pterygium syndrome (LMPS). Identifiers: Orphanet 33108, MedGen C1854678, MONDO:0009668, OMIM 253290.

Submission:

Labcorp Genetics (formerly Invitae), Labcorp
Classification: Uncertain significance for Lethal multiple pterygium syndrome. Last evaluated: 2019-12-04. Review status: criteria provided, single submitter. Criteria: Invitae Variant Classification Sherloc (09022015). Collection method: clinical testing. Allele origin: germline.
Comment: In summary, the available evidence is currently insufficient to determine the role of this variant in disease. Therefore, it has been classified as a Variant of Uncertain Significance. Algorithms developed to predict the effect of sequence changes on RNA splicing suggest that this variant may create or strengthen a splice site, but this prediction has not been confirmed by published transcriptional studies. Algorithms developed to predict the effect of missense changes on protein structure and function are either unavailable or do not agree on the potential impact of this missense change (SIFT: "Deleterious"; PolyPhen-2: "Probably Damaging"; Align-GVGD: "Class C0"). This variant has not been reported in the literature in individuals with CHRND-related conditions. This variant is not present in population databases (ExAC no frequency). This sequence change replaces leucine with valine at codon 60 of the CHRND protein (p.Leu60Val). The leucine residue is moderately conserved and there is a small physicochemical difference between leucine and valine.

NM_000751.3(CHRND):c.178C>G (p.Leu60Val)

Gene: CHRND (cholinergic receptor nicotinic delta subunit; plus strand). Cytogenetic location: 2q37.1.
Variant type: single nucleotide variant.
Coding change: c.178C>G on transcript NM_000751.3 (MANE Select); coding-DNA position 178, C replaced by G.
Protein change: p.Leu60Val; replaces leucine 60 with valine.
Molecular consequence: missense variant. On other transcripts: 5 prime UTR variant (2).
Genome position (GRCh38, 1-based): chr2:232,526,654, C>G. VCF-style: chr2-232526654-C-G. GRCh37 (hg19) VCF-style: chr2-233391364-C-G.
Other names: c.178C>G, p.Leu60Val (NM_001256657.2); c.-94C>G (NM_001311195.2, NM_001311196.2); short protein forms L60V.
Identifiers: ClinVar variation 835510 (VCV000835510.9), dbSNP rs200743096, ClinGen allele CA350996193.